The following is an entry in ClinVar:

ClinVar aggregate classification (germline): Conflicting classifications of pathogenicity. Review status: criteria provided, conflicting classifications (1 of 4 stars). 3 submissions from 3 submitters: Uncertain significance (1); Benign (2). Last evaluated 2018-01-13.

Conditions:
Acrodermatitis continua suppurativa of Hallopeau (PSORS14). Also called: INTERLEUKIN 36 RECEPTOR ANTAGONIST DEFICIENCY; ACRODERMATITIS CONTINUA OF HALLOPEAU; Psoriasis 14, pustular. Identifiers: Orphanet 163931, MedGen C0392439, MONDO:0013626, OMIM 614204.
Generalized pustular psoriasis. Identifiers: Orphanet 247353, MedGen C0343055, MONDO:0100491.

Allele frequency attached by ClinVar (database versions not stated): gnomAD exomes 0.64027; gnomAD 0.64674 and 0.65162; TOPMed 0.65816; 1000 Genomes Project 30x 0.71408; 1000 Genomes Project 0.71546.
gnomAD v4.1: 296,400 of 460,014 alleles (64%); highest among the groups gnomAD compares: South Asian, 80%; 97,091 homozygotes.

Submissions (3):

Illumina Laboratory Services, Illumina
Classification: Benign for Acrodermatitis continua suppurativa of Hallopeau. Last evaluated: 2018-01-13. Review status: criteria provided, single submitter. Criteria: ICSL Variant Classification Criteria 13 December 2019. Collection method: clinical testing. Allele origin: germline.
Comment: This variant was observed in the ICSL laboratory as part of a predisposition screen in an ostensibly healthy population. It had not been previously curated by ICSL or reported in the Human Gene Mutation Database (HGMD: prior to June 1st, 2018), and was therefore a candidate for classification through an automated scoring system. Utilizing variant allele frequency, disease prevalence and penetrance estimates, and inheritance mode, an automated score was calculated to assess if this variant is too frequent to cause the disease. Based on the score and internal cut-off values, a variant classified as benign is not then subjected to further curation. The score for this variant resulted in a classification of benign for this disease.

Breakthrough Genomics
Classification: Benign. Review status: criteria provided, single submitter. Criteria: ACMG Guidelines, 2015. Collection method: not provided. Allele origin: germline. Inheritance: Autosomal recessive inheritance. Affected: yes.

Clinical Genomics, Uppaluri K&H Personalized Medicine Clinic
Classification: Uncertain significance for Acrodermatitis continua suppurativa of Hallopeau. Review status: criteria provided, single submitter. Criteria: K &amp; H Uppaluri Personalized Medicine Clinic Variant Classification &amp; Assertion Criteria_Updated V.1. Collection method: clinical testing. Allele origin: germline. Inheritance: Autosomal recessive inheritance. Affected: yes. Observed: 1 heterozygote.
Comment: Patients with Generalized pustular Psoriasis, with certain mutations, respond very well to IL-1 antagonists like Anakinra, as IL36RN mutations upregulate IL-1. IL36RN gene encodes IL-36 receptor antagonist (IL-36Ra), which is required for subsequent activation of intracellular NF-κB and mitogen-activated protein kinase pathways. However, the role of rs1800930 is yet to be ascertained.

Literature cited by the submitters: PubMed 27220475 (cited by Clinical Genomics, Uppaluri K&H Personalized Medicine Clinic); PubMed 24656634 (cited by Clinical Genomics, Uppaluri K&H Personalized Medicine Clinic); PubMed 34903506 (cited by Clinical Genomics, Uppaluri K&H Personalized Medicine Clinic).

NM_012275.3(IL36RN):c.*276A>G

Gene: IL36RN (interleukin 36 receptor antagonist; plus strand). Cytogenetic location: 2q14.1.
Variant type: single nucleotide variant.
Coding change: c.*276A>G on transcript NM_012275.3 (MANE Select); 276 bases downstream of the stop codon, A replaced by G.
Molecular consequence: 3 prime UTR variant.
Genome position (GRCh38, 1-based): chr2:113,062,953, A>G. VCF-style: chr2-113062953-A-G. GRCh37 (hg19) VCF-style: chr2-113820530-A-G.
Other names: c.*276A>G (NM_173170.1).
Identifiers: ClinVar variation 330784 (VCV000330784.7), dbSNP rs1800930, ClinGen allele CA10611930.